The following is an entry in ClinVar:

NM_001291303.3(FAT4):c.2614A>G (p.Thr872Ala)

Gene: FAT4 (FAT atypical cadherin 4; plus strand). Cytogenetic location: 4q28.1.
Variant type: single nucleotide variant.
Coding change: c.2614A>G on transcript NM_001291303.3 (MANE Select); coding-DNA position 2614, A replaced by G.
Protein change: p.Thr872Ala; replaces threonine 872 with alanine.
Molecular consequence: missense variant.
Genome position (GRCh38, 1-based): chr4:125,319,025, A>G. VCF-style: chr4-125319025-A-G. GRCh37 (hg19) VCF-style: chr4-126240180-A-G.
Other names: c.2614A>G, p.Thr872Ala (NM_001291285.3, NM_024582.6); short protein forms T872A.
Identifiers: ClinVar variation 2272892 (VCV002272892.5), dbSNP rs1296061836, ClinGen allele CA358120712.

ClinVar aggregate classification (germline): Uncertain significance. Review status: criteria provided, multiple submitters, no conflicts (2 of 4 stars). 2 submissions from 2 submitters: Uncertain significance (2). Last evaluated 2025-10-15.

Conditions:
Inborn genetic diseases. Identifiers: MedGen C0950123, MeSH D030342.

Allele frequency attached by ClinVar (database versions not stated): gnomAD 0.00005; gnomAD exomes below 0.00001; TOPMed 0.00005.
gnomAD v4.1: 13 of 1,614,090 alleles (0.00081%); highest among the groups gnomAD compares: Admixed American, 0.02%; no homozygotes.

Submissions (2):

Labcorp Genetics (formerly Invitae), Labcorp
Classification: Uncertain significance. Last evaluated: 2025-10-15. Review status: criteria provided, single submitter. Criteria: Invitae Variant Classification Sherloc (09022015). Collection method: clinical testing. Allele origin: germline.
Comment: This sequence change replaces threonine, which is neutral and polar, with alanine, which is neutral and non-polar, at codon 872 of the FAT4 protein (p.Thr872Ala). This variant is present in population databases (no rsID available, gnomAD 0.01%). This variant has not been reported in the literature in individuals affected with FAT4-related conditions. ClinVar contains an entry for this variant (Variation ID: 2272892). Invitae Evidence Modeling of protein sequence and biophysical properties (such as structural, functional, and spatial information, amino acid conservation, physicochemical variation, residue mobility, and thermodynamic stability) indicates that this missense variant is not expected to disrupt FAT4 protein function with a negative predictive value of 80%. In summary, the available evidence is currently insufficient to determine the role of this variant in disease. Therefore, it has been classified as a Variant of Uncertain Significance.

Ambry Genetics
Classification: Uncertain significance for Inborn genetic diseases. Last evaluated: 2022-01-26. Review status: criteria provided, single submitter. Criteria: Ambry Variant Classification Scheme 2023. Collection method: clinical testing. Allele origin: germline.